The following is an entry in ClinVar:

ClinVar aggregate classification (germline): Uncertain significance. Review status: criteria provided, multiple submitters, no conflicts (2 of 4 stars). 3 submissions from 3 submitters: Uncertain significance (3). Last evaluated 2026-04-20.

Conditions:
Progressive myoclonic epilepsy type 5. Identifiers: Orphanet 402082, MedGen C5190799.

Allele frequency attached by ClinVar (database versions not stated): ExAC 0.00001; gnomAD exomes 0.00001 and 0.00002; gnomAD 0.00003 and 0.00004; TOPMed 0.00003.

Submissions (3):

Women's Health and Genetics/Laboratory Corporation of America, LabCorp
Classification: Uncertain significance. Last evaluated: 2026-04-20. Review status: criteria provided, single submitter. Criteria: LabCorp Variant Classification Summary - May 2015. Collection method: clinical testing. Allele origin: germline.
Comment: Variant summary: PRICKLE2 c.328C>T (p.Arg110Cys) results in a non-conservative amino acid change in the encoded protein sequence. Algorithms developed to predict the effect of missense changes on protein structure and function all suggest that this variant is likely to be disruptive. The variant allele was found at a frequency of 2e-05 in 251480 control chromosomes. The available data on variant occurrences in the general population are insufficient to allow any conclusion about variant significance. To our knowledge, no occurrence of c.328C>T in individuals affected with PRICKLE2-related conditions and no experimental evidence demonstrating its impact on protein function have been reported. ClinVar contains an entry for this variant (Variation ID: 838636). Based on the evidence outlined above, the variant was classified as uncertain significance.

Labcorp Genetics (formerly Invitae), Labcorp
Classification: Uncertain significance for Progressive myoclonic epilepsy type 5. Last evaluated: 2024-05-23. Review status: criteria provided, single submitter. Criteria: Invitae Variant Classification Sherloc (09022015). Collection method: clinical testing. Allele origin: germline.
Comment: This sequence change replaces arginine, which is basic and polar, with cysteine, which is neutral and slightly polar, at codon 110 of the PRICKLE2 protein (p.Arg110Cys). This variant is present in population databases (rs750086425, gnomAD 0.009%). This variant has not been reported in the literature in individuals affected with PRICKLE2-related conditions. ClinVar contains an entry for this variant (Variation ID: 838636). Advanced modeling of protein sequence and biophysical properties (such as structural, functional, and spatial information, amino acid conservation, physicochemical variation, residue mobility, and thermodynamic stability) has been performed at Invitae for this missense variant, however the output from this modeling did not meet the statistical confidence thresholds required to predict the impact of this variant on PRICKLE2 protein function. In summary, the available evidence is currently insufficient to determine the role of this variant in disease. Therefore, it has been classified as a Variant of Uncertain Significance.

Athena Diagnostics
Classification: Uncertain significance. Last evaluated: 2024-01-18. Review status: criteria provided, single submitter. Criteria: Athena Diagnostics Criteria. Collection method: clinical testing. Allele origin: unknown.
Comment: Available data are insufficient to determine the clinical significance of the variant at this time. The frequency of this variant in the general population is uninformative in assessment of its pathogenicity. Computational tools disagree on the variant's effect on normal protein function.

NM_198859.4(PRICKLE2):c.328C>T (p.Arg110Cys)

Gene: PRICKLE2 (prickle planar cell polarity protein 2; minus strand). Cytogenetic location: 3p14.1.
Variant type: single nucleotide variant.
Coding change: c.328C>T on transcript NM_198859.4 (MANE Select); coding-DNA position 328, C replaced by T.
Protein change: p.Arg110Cys; replaces arginine 110 with cysteine.
Molecular consequence: missense variant.
Genome position (GRCh38, 1-based): chr3:64,160,008, G>A on the plus strand (C>T on the coding strand, the complement: PRICKLE2 is on the minus strand). VCF-style: chr3-64160008-G-A. GRCh37 (hg19) VCF-style: chr3-64145684-G-A.
Other names: c.328C>T, p.Arg110Cys (NM_001370528.1); short protein forms R110C.
Identifiers: ClinVar variation 838636 (VCV000838636.8), dbSNP rs750086425, ClinGen allele CA2479854.